The following is an entry in ClinVar:

ClinVar aggregate classification (germline): Conflicting classifications of pathogenicity. Review status: criteria provided, conflicting classifications (1 of 4 stars). 2 submissions from 2 submitters: Uncertain significance (1); Likely benign (1). Last evaluated 2016-08-09.

Conditions:
Hereditary cancer-predisposing syndrome. Also called: Hereditary Cancer Syndrome; Hereditary neoplastic syndrome; Neoplastic Syndromes, Hereditary; Tumor predisposition. Identifiers: Orphanet 140162, MedGen C0027672, MeSH D009386, MONDO:0015356.

Submissions (2):

GeneDx
Classification: Likely benign. Last evaluated: 2016-08-09. Review status: criteria provided, single submitter. Criteria: GeneDx Variant Classification (06012015). Collection method: clinical testing. Allele origin: germline. Affected: yes.
Comment: This variant is considered likely benign or benign based on one or more of the following criteria: it is a conservative change, it occurs at a poorly conserved position in the protein, it is predicted to be benign by multiple in silico algorithms, and/or has population frequency not consistent with disease.

Color Diagnostics, LLC DBA Color Health
Classification: Uncertain significance for Hereditary cancer-predisposing syndrome. Last evaluated: 2016-07-05. Review status: criteria provided, single submitter. Criteria: ACMG Guidelines, 2015. Collection method: clinical testing. Allele origin: germline.

NM_000179.3(MSH6):c.-7T>A

Gene: MSH6 (mutS homolog 6; plus strand). Cytogenetic location: 2p16.3.
Variant type: single nucleotide variant.
Coding change: c.-7T>A on transcript NM_000179.3 (MANE Select); 7 bases upstream of the start codon, T replaced by A.
Molecular consequence: 5 prime UTR variant.
Genome position (GRCh38, 1-based): chr2:47,783,227, T>A. VCF-style: chr2-47783227-T-A. GRCh37 (hg19) VCF-style: chr2-48010366-T-A.
Other names: c.-7T>A (NM_001281492.2); c.-743T>A (NM_001281493.2).
Identifiers: ClinVar variation 388545 (VCV000388545.3), dbSNP rs1057523142, ClinGen allele CA16604261.